The following is an entry in ClinVar:

ClinVar aggregate classification (germline): Uncertain significance. Review status: criteria provided, multiple submitters, no conflicts (2 of 4 stars). 2 submissions from 2 submitters: Uncertain significance (2). Last evaluated 2025-03-05.

Conditions:
Intellectual developmental disorder, X-linked 1. Also called: Atkin Flaitz Patil Smith syndrome; Intellectual disability, X-linked 1; MENTAL RETARDATION, X-LINKED 18; MENTAL RETARDATION, X-LINKED 78. Identifiers: Orphanet 777, MedGen C2931498, MONDO:0010656, OMIM 309530.

Allele frequency attached by ClinVar (database versions not stated): gnomAD exomes below 0.00001 and 0.00001; gnomAD 0.00001; TOPMed 0.00002; ExAC 0.00001.
gnomAD v4.1: 6 of 1,208,704 alleles (0.0005%); highest among the groups gnomAD compares: African/African-American, 0.0052%; no homozygotes.

Submissions (2):

Labcorp Genetics (formerly Invitae), Labcorp
Classification: Uncertain significance for Intellectual developmental disorder, X-linked 1. Last evaluated: 2025-03-05. Review status: criteria provided, single submitter. Criteria: Invitae Variant Classification Sherloc (09022015). Collection method: clinical testing. Allele origin: germline.
Comment: This sequence change replaces asparagine, which is neutral and polar, with serine, which is neutral and polar, at codon 667 of the IQSEC2 protein (p.Asn667Ser). This variant is present in population databases (rs782321409, gnomAD 0.001%). This variant has not been reported in the literature in individuals affected with IQSEC2-related conditions. ClinVar contains an entry for this variant (Variation ID: 1059468). Invitae Evidence Modeling of protein sequence and biophysical properties (such as structural, functional, and spatial information, amino acid conservation, physicochemical variation, residue mobility, and thermodynamic stability) indicates that this missense variant is not expected to disrupt IQSEC2 protein function with a negative predictive value of 95%. In summary, the available evidence is currently insufficient to determine the role of this variant in disease. Therefore, it has been classified as a Variant of Uncertain Significance.

Women's Health and Genetics/Laboratory Corporation of America, LabCorp
Classification: Uncertain significance. Last evaluated: 2023-11-15. Review status: criteria provided, single submitter. Criteria: LabCorp Variant Classification Summary - May 2015. Collection method: clinical testing. Allele origin: germline.
Comment: Variant summary: IQSEC2 c.2000A>G (p.Asn667Ser) results in a conservative amino acid change in the encoded protein sequence. Five of five in-silico tools predict a benign effect of the variant on protein function. The variant allele was found at a frequency of 5.6e-06 in 179966 control chromosomes (gnomAD). The available data on variant occurrences in the general population are insufficient to allow any conclusion about variant significance. To our knowledge, no occurrence of c.2000A>G in individuals affected with X-Linked Intellectual Disability and no experimental evidence demonstrating its impact on protein function have been reported. One submitter has cited a clinical-significance assessment for this variant to ClinVar after 2014 and has classified the variant as uncertain significance. Based on the evidence outlined above, the variant was classified as uncertain significance.

NM_001111125.3(IQSEC2):c.2000A>G (p.Asn667Ser)

Gene: IQSEC2 (IQ motif and Sec7 domain ArfGEF 2; minus strand). Cytogenetic location: Xp11.22.
Variant type: single nucleotide variant.
Coding change: c.2000A>G on transcript NM_001111125.3 (MANE Select); coding-DNA position 2000, A replaced by G.
Protein change: p.Asn667Ser; replaces asparagine 667 with serine.
Molecular consequence: missense variant.
Genome position (GRCh38, 1-based): chrX:53,250,576, T>C on the plus strand (A>G on the coding strand, the complement: IQSEC2 is on the minus strand). VCF-style: chrX-53250576-T-C. GRCh37 (hg19) VCF-style: chrX-53279758-T-C.
Other names: c.1385A>G, p.Asn462Ser (NM_015075.2); short protein forms N462S, N667S.
Identifiers: ClinVar variation 1059468 (VCV001059468.10), dbSNP rs782321409, ClinGen allele CA10419991.